The following is an entry in ClinVar:

ClinVar aggregate classification (germline): Uncertain significance. Review status: criteria provided, multiple submitters, no conflicts (2 of 4 stars). 2 submissions from 2 submitters: Uncertain significance (2). Last evaluated 2023-12-30.

Conditions:
Adams-Oliver syndrome 5 (AOS5). Identifiers: Orphanet 974, MedGen C4014970, MONDO:0014459, OMIM 616028.
Familial thoracic aortic aneurysm and aortic dissection (TAAD). Also called: Thoracic aortic aneurysms and dissections. Identifiers: Orphanet 91387, MedGen C4707243, MONDO:0019625.

Allele frequency attached by ClinVar (database versions not stated): gnomAD 0.00001; TOPMed 0.00002; ExAC 0.00022.
gnomAD v4.1: 8 of 1,519,294 alleles (0.00053%); highest among the groups gnomAD compares: South Asian, 0.0037%; no homozygotes.

Submissions (2):

Labcorp Genetics (formerly Invitae), Labcorp
Classification: Uncertain significance for Adams-Oliver syndrome 5. Last evaluated: 2023-12-30. Review status: criteria provided, single submitter. Criteria: Invitae Variant Classification Sherloc (09022015). Collection method: clinical testing. Allele origin: germline.
Comment: This sequence change replaces valine, which is neutral and non-polar, with isoleucine, which is neutral and non-polar, at codon 239 of the NOTCH1 protein (p.Val239Ile). The frequency data for this variant in the population databases is considered unreliable, as metrics indicate poor data quality at this position in the gnomAD database. This variant has not been reported in the literature in individuals affected with NOTCH1-related conditions. ClinVar contains an entry for this variant (Variation ID: 1757432). Advanced modeling of protein sequence and biophysical properties (such as structural, functional, and spatial information, amino acid conservation, physicochemical variation, residue mobility, and thermodynamic stability) performed at Invitae indicates that this missense variant is not expected to disrupt NOTCH1 protein function with a negative predictive value of 95%. In summary, the available evidence is currently insufficient to determine the role of this variant in disease. Therefore, it has been classified as a Variant of Uncertain Significance.

Ambry Genetics
Classification: Uncertain significance for Familial thoracic aortic aneurysm and aortic dissection. Last evaluated: 2021-11-28. Review status: criteria provided, single submitter. Criteria: Ambry Variant Classification Scheme 2023. Collection method: clinical testing. Allele origin: germline.
Comment: The p.V239I variant (also known as c.715G>A), located in coding exon 4 of the NOTCH1 gene, results from a G to A substitution at nucleotide position 715. The valine at codon 239 is replaced by isoleucine, an amino acid with highly similar properties. This amino acid position is conserved. In addition, this alteration is predicted to be tolerated by in silico analysis. Since supporting evidence is limited at this time, the clinical significance of this alteration remains unclear.

NM_017617.5(NOTCH1):c.715G>A (p.Val239Ile)

Gene: NOTCH1 (notch receptor 1; minus strand). Cytogenetic location: 9q34.3.
Variant type: single nucleotide variant.
Coding change: c.715G>A on transcript NM_017617.5 (MANE Select); coding-DNA position 715, G replaced by A.
Protein change: p.Val239Ile; replaces valine 239 with isoleucine.
Molecular consequence: missense variant.
Genome position (GRCh38, 1-based): chr9:136,522,877, C>T on the plus strand (G>A on the coding strand, the complement: NOTCH1 is on the minus strand). VCF-style: chr9-136522877-C-T. GRCh37 (hg19) VCF-style: chr9-139417329-C-T.
Other names: short protein forms V239I.
Identifiers: ClinVar variation 1757432 (VCV001757432.5), dbSNP rs746827857, ClinGen allele CA5342094.